The following is an entry in ClinVar:

ClinVar aggregate classification (germline): Likely benign. Review status: criteria provided, multiple submitters, no conflicts (2 of 4 stars). 3 submissions from 3 submitters: Likely benign (3). Last evaluated 2024-10-29.

Conditions:
Neuropathy, hereditary sensory, type 2C. Also called: KIF1A-Related HSAN2 (HSAN2C); Hereditary sensory and autonomic neuropathy type IIC. Identifiers: Orphanet 970, MedGen C3280168, MONDO:0013634, OMIM 614213.
Intellectual disability, autosomal dominant 9 (NESCAVS). Also called: NESCAV SYNDROME; KIF1A-Related Neurodevelopmental Disorder. Identifiers: Orphanet 662367, MedGen C5393830, MONDO:0013656, OMIM 614255.
Hereditary spastic paraplegia 30. Identifiers: Orphanet 101010, MedGen C5235139, MONDO:0012476.
Inborn genetic diseases. Identifiers: MedGen C0950123, MeSH D030342.

Allele frequency attached by ClinVar (database versions not stated): TOPMed 0.00001.
gnomAD v4.1: 28 of 1,612,008 alleles (0.0017%); highest among the groups gnomAD compares: South Asian, 0.015%; no homozygotes.

Submissions (3):

Labcorp Genetics (formerly Invitae), Labcorp
Classification: Likely benign for Hereditary spastic paraplegia 30; Neuropathy, hereditary sensory, type 2C; Intellectual disability, autosomal dominant 9. Last evaluated: 2024-10-29. Review status: criteria provided, single submitter. Criteria: Invitae Variant Classification Sherloc (09022015). Collection method: clinical testing. Allele origin: germline.

Ambry Genetics
Classification: Likely benign for Inborn genetic diseases. Last evaluated: 2019-07-11. Review status: criteria provided, single submitter. Criteria: Ambry Variant Classification Scheme 2023. Collection method: clinical testing. Allele origin: germline.

GeneDx
Classification: Likely benign. Last evaluated: 2016-08-11. Review status: criteria provided, single submitter. Criteria: GeneDx Variant Classification (06012015). Collection method: clinical testing. Allele origin: germline. Affected: yes.
Comment: This variant is considered likely benign or benign based on one or more of the following criteria: it is a conservative change, it occurs at a poorly conserved position in the protein, it is predicted to be benign by multiple in silico algorithms, and/or has population frequency not consistent with disease.

NM_001244008.2(KIF1A):c.4926C>G (p.Ala1642=)

Gene: KIF1A (kinesin family member 1A; minus strand). Cytogenetic location: 2q37.3.
Variant type: single nucleotide variant.
Coding change: c.4926C>G on transcript NM_001244008.2 (MANE Select); coding-DNA position 4926, C replaced by G.
Protein change: p.Ala1642=; no amino-acid change (alanine 1642 retained).
Molecular consequence: synonymous variant.
Genome position (GRCh38, 1-based): chr2:240,719,869, G>C on the plus strand (C>G on the coding strand, the complement: KIF1A is on the minus strand). VCF-style: chr2-240719869-G-C. GRCh37 (hg19) VCF-style: chr2-241659286-G-C.
Other names: c.4650C>G, p.Ala1550= (NM_001320705.2, NM_001379649.1); c.4677C>G, p.Ala1559= (NM_001330289.2); c.4725C>G, p.Ala1575= (NM_001330290.2, NM_001379648.1); c.5001C>G, p.Ala1667= (NM_001379631.1); c.4902C>G, p.Ala1634= (NM_001379632.1); c.4899C>G, p.Ala1633= (NM_001379633.1, NM_001379645.1); c.4752C>G, p.Ala1584= (NM_001379634.1); c.4749C>G, p.Ala1583= (NM_001379635.1, NM_001379646.1); and 7 more.
Identifiers: ClinVar variation 388533 (VCV000388533.11), dbSNP rs376581099, ClinGen allele CA2207244.
Genomic context (GRCh38, chr2:240,719,869, plus strand): 5'-GCGCTGGGGCTCCTTGTCTGTCTCTGTTGCCCGGGCAGGGGAAGGGAGCTTCTTGGAGTC[G>C]GCCTCTGGCAGCAGCTCGGGCTCTGGGCTGGCTGGCCGGGAGCAGGGCTGCGGGGTCCTG-3'
Protein context (NP_001230937.1, residues 1632-1652): ASPEPELLPE[Ala1642=]DSKKLPSPAR